The following is an entry in ClinVar:

NM_006767.4(LZTR1):c.164G>A (p.Arg55Gln)

Gene: LZTR1 (leucine zipper like post translational regulator 1; plus strand). Cytogenetic location: 22q11.21.
Variant type: single nucleotide variant.
Coding change: c.164G>A on transcript NM_006767.4 (MANE Select); coding-DNA position 164, G replaced by A.
Protein change: p.Arg55Gln; replaces arginine 55 with glutamine.
Molecular consequence: missense variant.
Genome position (GRCh38, 1-based): chr22:20,982,535, G>A. VCF-style: chr22-20982535-G-A. GRCh37 (hg19) VCF-style: chr22-21336824-G-A.
Other names: short protein forms R55Q.
Identifiers: ClinVar variation 3869267 (VCV003869267.1).

ClinVar aggregate classification (germline): Uncertain significance (1 of 4 stars; one submission).

Conditions:
Hereditary cancer-predisposing syndrome. Also called: Hereditary neoplastic syndrome; Neoplastic Syndromes, Hereditary; Tumor predisposition; Hereditary Cancer Syndrome. Identifiers: Orphanet 140162, MedGen C0027672, MeSH D009386, MONDO:0015356.
Cardiovascular phenotype. Identifiers: MedGen CN230736.

gnomAD v4.1: 1 of 1,612,888 alleles (0.000062%); highest among the groups gnomAD compares: Non-Finnish European, 0.000085%; no homozygotes.

Submission:

Ambry Genetics
Classification: Uncertain significance for Cardiovascular phenotype; Hereditary cancer-predisposing syndrome. Last evaluated: 2024-12-13. Review status: criteria provided, single submitter. Criteria: Ambry Variant Classification Scheme 2023. Collection method: clinical testing. Allele origin: germline.
Comment: The p.R55Q variant (also known as c.164G>A), located in coding exon 1 of the LZTR1 gene, results from a G to A substitution at nucleotide position 164. The arginine at codon 55 is replaced by glutamine, an amino acid with highly similar properties. This amino acid position is conserved. In addition, the in silico prediction for this alteration is inconclusive. Based on the available evidence, the clinical significance of this variant remains unclear.